The following is an entry in ClinVar:

NM_005458.8(GABBR2):c.589C>T (p.Arg197Cys)

Gene: GABBR2 (gamma-aminobutyric acid type B receptor subunit 2; minus strand). Cytogenetic location: 9q22.33.
Variant type: single nucleotide variant.
Coding change: c.589C>T on transcript NM_005458.8 (MANE Select); coding-DNA position 589, C replaced by T.
Protein change: p.Arg197Cys; replaces arginine 197 with cysteine.
Molecular consequence: missense variant.
Genome position (GRCh38, 1-based): chr9:98,541,914, G>A on the plus strand (C>T on the coding strand, the complement: GABBR2 is on the minus strand). VCF-style: chr9-98541914-G-A. GRCh37 (hg19) VCF-style: chr9-101304196-G-A.
Other names: short protein forms R197C.
Identifiers: ClinVar variation 3852433 (VCV003852433.2).

ClinVar aggregate classification (germline): Uncertain significance. Review status: criteria provided, multiple submitters, no conflicts (2 of 4 stars). 2 submissions from 2 submitters: Uncertain significance (2). Last evaluated 2026-02-06.

Conditions:
Inborn genetic diseases. Identifiers: MedGen C0950123, MeSH D030342.

gnomAD v4.1: 1 of 1,614,164 alleles (0.000062%); highest among the groups gnomAD compares: Non-Finnish European, 0.000085%; no homozygotes.

Submissions (2):

Women's Health and Genetics/Laboratory Corporation of America, LabCorp
Classification: Uncertain significance. Last evaluated: 2026-02-06. Review status: criteria provided, single submitter. Criteria: LabCorp Variant Classification Summary - May 2015. Collection method: clinical testing. Allele origin: germline.
Comment: Variant summary: GABBR2 c.589C>T (p.Arg197Cys) results in a non-conservative amino acid change located in the ligand binding region (IPR001828) of the encoded protein sequence. Algorithms developed to predict the effect of missense changes on protein structure and function all suggest that this variant is likely to be disruptive. The frequency data for this variant in gnomAD is considered unreliable, as metrics indicate poor data quality at this position. To our knowledge, no occurrence of c.589C>T in individuals affected with GABBR2-related conditions and no experimental evidence demonstrating its impact on protein function have been reported. ClinVar contains an entry for this variant (Variation ID: 3852433). Based on the evidence outlined above, the variant was classified as uncertain significance.

Ambry Genetics
Classification: Uncertain significance for Inborn genetic diseases. Last evaluated: 2025-02-28. Review status: criteria provided, single submitter. Criteria: Ambry Variant Classification Scheme 2023. Collection method: clinical testing. Allele origin: germline.